The following is an entry in ClinVar:

ClinVar aggregate classification (germline): Uncertain significance (1 of 4 stars; one submission).

Conditions:
Trichorhinophalangeal dysplasia type I (TRPS1). Also called: TRICHORHINOPHALANGEAL SYNDROME, TYPE I; TRPS I. Identifiers: Orphanet 77258, MedGen C0432233, MONDO:0008596, OMIM 190350.
Trichorhinophalangeal syndrome, type III (TRPS3). Also called: SUGIO-KAJII SYNDROME. Identifiers: Orphanet 77258, MedGen C1860823, OMIM 190351, MONDO:0008597.

Submission:

Labcorp Genetics (formerly Invitae), Labcorp
Classification: Uncertain significance for Trichorhinophalangeal syndrome, type III; Trichorhinophalangeal dysplasia type I. Last evaluated: 2024-06-20. Review status: criteria provided, single submitter. Criteria: Invitae Variant Classification Sherloc (09022015). Collection method: clinical testing. Allele origin: germline.
Comment: This sequence change replaces leucine, which is neutral and non-polar, with valine, which is neutral and non-polar, at codon 1264 of the TRPS1 protein (p.Leu1264Val). This variant is not present in population databases (gnomAD no frequency). This variant has not been reported in the literature in individuals affected with TRPS1-related conditions. Advanced modeling of protein sequence and biophysical properties (such as structural, functional, and spatial information, amino acid conservation, physicochemical variation, residue mobility, and thermodynamic stability) performed at Invitae indicates that this missense variant is not expected to disrupt TRPS1 protein function with a negative predictive value of 80%. In summary, the available evidence is currently insufficient to determine the role of this variant in disease. Therefore, it has been classified as a Variant of Uncertain Significance.

NM_014112.5(TRPS1):c.3790C>G (p.Leu1264Val)

Gene: TRPS1 (transcriptional repressor GATA binding 1; minus strand). Cytogenetic location: 8q23.3.
Variant type: single nucleotide variant.
Coding change: c.3790C>G on transcript NM_014112.5 (MANE Select); coding-DNA position 3790, C replaced by G.
Protein change: p.Leu1264Val; replaces leucine 1264 with valine.
Molecular consequence: missense variant.
Genome position (GRCh38, 1-based): chr8:115,414,118, G>C on the plus strand (C>G on the coding strand, the complement: TRPS1 is on the minus strand). VCF-style: chr8-115414118-G-C. GRCh37 (hg19) VCF-style: chr8-116426346-G-C.
Other names: c.3763C>G, p.Leu1255Val (NM_001282902.3); c.3769C>G, p.Leu1257Val (NM_001282903.3); c.3751C>G, p.Leu1251Val (NM_001330599.2); short protein forms L1251V, L1255V, L1257V, L1264V.
Identifiers: ClinVar variation 3756893 (VCV003756893.2).
Genomic context (GRCh38, chr8:115,414,118, plus strand): 5'-CATTGTTCCTATGCAGGCCCCTCTGGATATGTGTTGTGAAGTCATATTTGTCCGTGCAAA[G>C]ATGCTGGCATATGCTGCACTGGAAAGGTCCACTGTCACCATGGCAACTCATATGCAAAGC-3'
Protein context (NP_054831.2, residues 1254-1274): GPFQCSICQH[Leu1264Val]CTDKYDFTTH